The following is an entry in ClinVar:

ClinVar aggregate classification (germline): Likely benign (1 of 4 stars; one submission).

gnomAD v4.1: 233 of 1,613,660 alleles (0.014%); highest among the groups gnomAD compares: Non-Finnish European, 0.019%; no homozygotes.

Submission:

CeGaT Center for Human Genetics Tuebingen
Classification: Likely benign. Last evaluated: 2025-12-01. Review status: criteria provided, single submitter. Criteria: CeGaT Center For Human Genetics Tuebingen Variant Classification Criteria Version 2. Collection method: clinical testing. Allele origin: germline. Affected: yes. Observed: 1 variant allele.
Comment: ASCC3: BP4, BP7

NM_006828.4(ASCC3):c.2187A>T (p.Val729=)

Gene: ASCC3 (activating signal cointegrator 1 complex subunit 3; minus strand). Cytogenetic location: 6q16.3.
Variant type: single nucleotide variant.
Coding change: c.2187A>T on transcript NM_006828.4 (MANE Select); coding-DNA position 2187, A replaced by T.
Protein change: p.Val729=; no amino-acid change (valine 729 retained).
Molecular consequence: synonymous variant.
Genome position (GRCh38, 1-based): chr6:100,679,717, T>A on the plus strand (A>T on the coding strand, the complement: ASCC3 is on the minus strand). VCF-style: chr6-100679717-T-A. GRCh37 (hg19) VCF-style: chr6-101127593-T-A.
Identifiers: ClinVar variation 4822239 (VCV004822239.4).
Genomic context (GRCh38, chr6:100,679,717, plus strand): 5'-AAAAAAGAAGGGAATATGGCCACAATTTTTTGCTCTTTCTATTAGAGACATAGCTGTTCT[T>A]ACAGTGGCATTTCGAGCATGTACAAACACCATCACCTGAAAAAAAGGAAAGCAGTTTATT-3'
Protein context (NP_006819.2, residues 719-739): MVFVHARNAT[Val729=]RTAMSLIERA